The following is an entry in ClinVar:

ClinVar aggregate classification (germline): Uncertain significance. Review status: criteria provided, multiple submitters, no conflicts (2 of 4 stars). 5 submissions from 5 submitters: Uncertain significance (5). Last evaluated 2024-05-30.

Conditions:
Inborn genetic diseases. Identifiers: MedGen C0950123, MeSH D030342.
Fanconi anemia (FA). Also called: Fanconi's anemia. Identifiers: Orphanet 84, MedGen C0015625, MeSH D005199, MONDO:0019391.
Fanconi anemia complementation group E (FANCE). Also called: FANCE-Related Fanconi Anemia. Identifiers: Orphanet 84, MedGen C3160739, MONDO:0010953, OMIM 600901.

Allele frequency attached by ClinVar (database versions not stated): ExAC 0.00003; gnomAD 0.00005 and 0.00007; gnomAD exomes 0.00006; TOPMed 0.00011.
gnomAD v4.1: 80 of 1,614,078 alleles (0.005%); highest among the groups gnomAD compares: Middle Eastern, 0.099%; no homozygotes.

Submissions (5):

Fulgent Genetics
Classification: Uncertain significance for Fanconi anemia complementation group E. Last evaluated: 2024-05-30. Review status: criteria provided, single submitter. Criteria: ACMG Guidelines, 2015. Collection method: clinical testing. Allele origin: germline.

Labcorp Genetics (formerly Invitae), Labcorp
Classification: Uncertain significance for Fanconi anemia complementation group E. Last evaluated: 2023-12-29. Review status: criteria provided, single submitter. Criteria: Invitae Variant Classification Sherloc (09022015). Collection method: clinical testing. Allele origin: germline.
Comment: This sequence change replaces alanine, which is neutral and non-polar, with glycine, which is neutral and non-polar, at codon 104 of the FANCE protein (p.Ala104Gly). This variant is present in population databases (rs773580818, gnomAD 0.02%). This variant has not been reported in the literature in individuals affected with FANCE-related conditions. ClinVar contains an entry for this variant (Variation ID: 408153). Advanced modeling of protein sequence and biophysical properties (such as structural, functional, and spatial information, amino acid conservation, physicochemical variation, residue mobility, and thermodynamic stability) performed at Invitae indicates that this missense variant is expected to disrupt FANCE protein function with a positive predictive value of 80%. In summary, the available evidence is currently insufficient to determine the role of this variant in disease. Therefore, it has been classified as a Variant of Uncertain Significance.

GeneDx
Classification: Uncertain significance. Last evaluated: 2022-02-15. Review status: criteria provided, single submitter. Criteria: GeneDx Variant Classification Process June 2021. Collection method: clinical testing. Allele origin: germline. Affected: yes.
Comment: In silico analysis supports that this missense variant does not alter protein structure/function; Has not been previously published as pathogenic or benign to our knowledge

Ambry Genetics
Classification: Uncertain significance for Inborn genetic diseases. Last evaluated: 2021-08-02. Review status: criteria provided, single submitter. Criteria: Ambry Variant Classification Scheme 2023. Collection method: clinical testing. Allele origin: germline.

Sema4
Classification: Uncertain significance for Fanconi anemia. Last evaluated: 2021-04-14. Review status: criteria provided, single submitter. Criteria: Sema4 Curation Guidelines. Collection method: curation. Allele origin: germline.
Comment: To the best of our knowledge, the FANCE c.311C>G (p.A104G) variant has not been reported in individuals with FANCE-related disease. It was observed in 8/35440 chromosomes of the Latino subpopulation in the large and broad cohorts of the Genome Aggregation Database. The variant has been reported in ClinVar (Variation ID 408153). Functional studies have not been performed, and in silico predictions of the variant's effect on protein function are inconclusive. The evidence is insufficient to meet ACMG/AMP criteria for classifying the variant as benign or pathogenic. Thus, the clinical significance of this variant is currently uncertain.

NM_021922.3(FANCE):c.311C>G (p.Ala104Gly)

Gene: FANCE (FA complementation group E; plus strand). Cytogenetic location: 6p21.31.
Variant type: single nucleotide variant.
Coding change: c.311C>G on transcript NM_021922.3 (MANE Select); coding-DNA position 311, C replaced by G.
Protein change: p.Ala104Gly; replaces alanine 104 with glycine.
Molecular consequence: missense variant.
Genome position (GRCh38, 1-based): chr6:35,455,809, C>G. VCF-style: chr6-35455809-C-G. GRCh37 (hg19) VCF-style: chr6-35423586-C-G.
Other names: short protein forms A104G.
Identifiers: ClinVar variation 408153 (VCV000408153.13), dbSNP rs773580818, ClinGen allele CA3771379.